The following is an entry in ClinVar:

NM_006206.6(PDGFRA):c.1494C>A (p.Ala498=)

Gene: PDGFRA (platelet derived growth factor receptor alpha; plus strand). Cytogenetic location: 4q12.
Variant type: single nucleotide variant.
Coding change: c.1494C>A on transcript NM_006206.6 (MANE Select); coding-DNA position 1494, C replaced by A.
Protein change: p.Ala498=; no amino-acid change (alanine 498 retained).
Molecular consequence: synonymous variant.
Genome position (GRCh38, 1-based): chr4:54,273,666, C>A. VCF-style: chr4-54273666-C-A. GRCh37 (hg19) VCF-style: chr4-55139833-C-A.
Other names: c.1494C>A, p.Ala498= (NM_001347827.2, NM_001347829.2); c.1569C>A, p.Ala523= (NM_001347828.2); c.1533C>A, p.Ala511= (NM_001347830.2); c.1494C>A (NM_006206.5).
Identifiers: ClinVar variation 704550 (VCV000704550.15), dbSNP rs200434193, ClinGen allele CA439287039.

ClinVar aggregate classification (germline): Benign/Likely benign. Review status: criteria provided, multiple submitters, no conflicts (2 of 4 stars). 4 submissions from 4 submitters: Benign (1); Likely benign (2). 1 of the submissions does not count toward it. Last evaluated 2026-06-17.

Conditions:
Polyps, multiple and recurrent inflammatory fibroid, gastrointestinal. Identifiers: MedGen C5193005, MONDO:0008285, OMIM 175510.
Hereditary cancer-predisposing syndrome. Also called: Neoplastic Syndromes, Hereditary; Hereditary Cancer Syndrome; Hereditary neoplastic syndrome; Tumor predisposition. Identifiers: Orphanet 140162, MedGen C0027672, MeSH D009386, MONDO:0015356.
Gastrointestinal stromal tumor. Also called: Gastrointestinal stromal tumor, somatic; Gastrointestinal stroma tumor. Identifiers: Orphanet 44890, MedGen C0238198, MeSH D046152, MONDO:0011719, OMIM 606764, HP:0100723.
PDGFRA-related disorder. Also called: PDGFRA-related condition.

gnomAD v4.1: 1 of 1,614,052 alleles (0.000062%); highest among the groups gnomAD compares: Non-Finnish European, 0.000085%; no homozygotes.

Submissions (4):

Myriad Genetics, Inc.
Classification: Benign for Polyps, multiple and recurrent inflammatory fibroid, gastrointestinal. Last evaluated: 2026-06-17. Review status: criteria provided, single submitter. Criteria: Myriad Autosomal Dominant, Autosomal Recessive and X-Linked Classification Criteria (2023). Collection method: clinical testing. Allele origin: unknown.
Comment: This variant is considered benign. This variant is a silent/synonymous amino acid change and it is not expected to impact splicing.

Labcorp Genetics (formerly Invitae), Labcorp
Classification: Likely benign for Gastrointestinal stromal tumor. Last evaluated: 2025-10-23. Review status: criteria provided, single submitter. Criteria: Invitae Variant Classification Sherloc (09022015). Collection method: clinical testing. Allele origin: germline.

Ambry Genetics
Classification: Likely benign for Hereditary cancer-predisposing syndrome. Last evaluated: 2022-04-09. Review status: criteria provided, single submitter. Criteria: Ambry Variant Classification Scheme 2023. Collection method: clinical testing. Allele origin: germline.

PreventionGenetics, part of Exact Sciences
Classification: Likely benign for PDGFRA-related condition. Last evaluated: 2023-12-22. Review status: no assertion criteria provided. Collection method: clinical testing. Allele origin: germline. Not counted in ClinVar's aggregate classification.
Comment: This variant is classified as likely benign based on ACMG/AMP sequence variant interpretation guidelines (Richards et al. 2015 PMID: 25741868, with internal and published modifications).